The following is an entry in ClinVar:

NM_000166.6(GJB1):c.157T>G (p.Cys53Gly)

Gene: GJB1 (gap junction protein beta 1; plus strand). Cytogenetic location: Xq13.1.
Variant type: single nucleotide variant.
Coding change: c.157T>G on transcript NM_000166.6 (MANE Select); coding-DNA position 157, T replaced by G.
Protein change: p.Cys53Gly; replaces cysteine 53 with glycine.
Molecular consequence: missense variant.
Genome position (GRCh38, 1-based): chrX:71,223,864, T>G. VCF-style: chrX-71223864-T-G. GRCh37 (hg19) VCF-style: chrX-70443714-T-G.
Other names: c.157T>G, p.Cys53Gly (NM_001097642.3); short protein forms C53G.
Identifiers: ClinVar variation 3644808 (VCV003644808.3).
Genomic context (GRCh38, chrX:71,223,864, plus strand): 5'-ATCATGGTGCTGGTGGTGGCTGCAGAGAGTGTGTGGGGTGATGAGAAATCTTCCTTCATC[T>G]GCAACACACTCCAGCCTGGCTGCAACAGCGTTTGCTATGACCAATTCTTCCCCATCTCCC-3'
Protein context (NP_000157.1, residues 43-63): VWGDEKSSFI[Cys53Gly]NTLQPGCNSV

ClinVar aggregate classification (germline): Uncertain significance. Review status: criteria provided, multiple submitters, no conflicts (2 of 4 stars). 2 submissions from 2 submitters: Uncertain significance (2). Last evaluated 2024-06-06.

Conditions:
Charcot-Marie-Tooth Neuropathy X. Identifiers: MedGen CN118851.

Submissions (2):

Blueprint Genetics
Classification: Uncertain significance. Last evaluated: 2024-06-06. Review status: criteria provided, single submitter. Criteria: ACMG Guidelines, 2015. Collection method: clinical testing. Allele origin: germline.

Labcorp Genetics (formerly Invitae), Labcorp
Classification: Uncertain significance for Charcot-Marie-Tooth Neuropathy X. Last evaluated: 2024-03-07. Review status: criteria provided, single submitter. Criteria: Invitae Variant Classification Sherloc (09022015). Collection method: clinical testing. Allele origin: germline.
Comment: This sequence change replaces cysteine, which is neutral and slightly polar, with glycine, which is neutral and non-polar, at codon 53 of the GJB1 protein (p.Cys53Gly). This variant is not present in population databases (gnomAD no frequency). This variant has not been reported in the literature in individuals affected with GJB1-related conditions. Advanced modeling of protein sequence and biophysical properties (such as structural, functional, and spatial information, amino acid conservation, physicochemical variation, residue mobility, and thermodynamic stability) performed at Invitae indicates that this missense variant is expected to disrupt GJB1 protein function with a positive predictive value of 80%. This variant disrupts the p.Cys53 amino acid residue in GJB1. Other variant(s) that disrupt this residue have been observed in individuals with GJB1-related conditions (PMID: 8889588, 17100997, 23011429, 28448691), which suggests that this may be a clinically significant amino acid residue. In summary, the available evidence is currently insufficient to determine the role of this variant in disease. Therefore, it has been classified as a Variant of Uncertain Significance.

Literature cited by the submitters: PubMed 8889588 (cited by Labcorp Genetics (formerly Invitae), Labcorp); PubMed 17100997 (cited by Labcorp Genetics (formerly Invitae), Labcorp); PubMed 23011429 (cited by Labcorp Genetics (formerly Invitae), Labcorp); PubMed 28448691 (cited by Labcorp Genetics (formerly Invitae), Labcorp).